The following is an entry in ClinVar:

ClinVar aggregate classification (germline): Pathogenic (1 of 4 stars; one submission).

Conditions:
Neurofibromatosis, type 1 (NF1). Also called: VON RECKLINGHAUSEN DISEASE; Peripheral type neurofibromatosis; NEUROFIBROMATOSIS, TYPE I, SOMATIC; Neurofibromatosis, type I. Identifiers: Orphanet 636, MedGen C0027831, MONDO:0018975, OMIM 162200. Disease mechanism: loss of function.

Submission:

Labcorp Genetics (formerly Invitae), Labcorp
Classification: Pathogenic for Neurofibromatosis, type 1. Last evaluated: 2024-01-26. Review status: criteria provided, single submitter. Criteria: Invitae Variant Classification Sherloc (09022015). Collection method: clinical testing. Allele origin: germline.
Comment: This sequence change creates a premature translational stop signal (p.Cys1117Leufs*3) in the NF1 gene. It is expected to result in an absent or disrupted protein product. Loss-of-function variants in NF1 are known to be pathogenic (PMID: 10712197, 23913538). This variant is not present in population databases (gnomAD no frequency). This variant has not been reported in the literature in individuals affected with NF1-related conditions. Algorithms developed to predict the effect of sequence changes on RNA splicing suggest that this variant may disrupt the consensus splice site. For these reasons, this variant has been classified as Pathogenic.

Literature cited by the submitters: PubMed 10712197; PubMed 23913538.

NM_001042492.3(NF1):c.3349dup (p.Cys1117fs)

Gene: NF1 (neurofibromin 1; plus strand). Cytogenetic location: 17q11.2.
Variant type: Duplication.
Coding change: c.3349dup on transcript NM_001042492.3 (MANE Select); coding-DNA position 3349, one base duplicated (T; older notation c.3349dupT).
Protein change: p.Cys1117fs; shifts the reading frame from cysteine 1117.
Molecular consequence: frameshift variant.
Genome position (GRCh38, 1-based): chr17:31,232,734, T duplicated. VCF-style (leftmost placement, unchanged base first): chr17-31232733-C-CT. GRCh37 (hg19) VCF-style: chr17-29559751-C-CT.
Other names: c.3349dup, p.Cys1117Leufs (NM_000267.4); short protein forms C1117fs.
Identifiers: ClinVar variation 3633434 (VCV003633434.2).
Genomic context (GRCh38, chr17:31,232,733, plus strand): 5'-GTAAAGGTCAGTCTTTTTATTTCTCAGATACTTCACATTATTTATGAACCTTTTGAATGA[C>CT]TGCAGTGAAGTTGAAGATGAAAGTGCGCAAACAGGTGGCAGGAAACGTGGCATGTCTCGG-3'